The following is an entry in ClinVar:

ClinVar aggregate classification (germline): Uncertain significance (1 of 4 stars; one submission).

Conditions:
Fabry disease. Also called: ALPHA-GALACTOSIDASE A DEFICIENCY; ANDERSON-FABRY DISEASE; CERAMIDE TRIHEXOSIDASE DEFICIENCY; GLA DEFICIENCY; HEREDITARY DYSTOPIC LIPIDOSIS; Fabry's disease. Identifiers: Orphanet 324, MedGen C0002986, MONDO:0010526, OMIM 301500, HP:0001071. Disease mechanism: loss of function, Fabry disease is due to inactivating mutations in the X-linked GLA gene resulting in deficiency of the enzyme Alpha Galactosidase-A..

Submission:

Color Diagnostics, LLC DBA Color Health
Classification: Uncertain significance for Fabry disease. Last evaluated: 2019-11-25. Review status: criteria provided, single submitter. Criteria: ACMG Guidelines, 2015. Collection method: clinical testing. Allele origin: germline.
Comment: This missense variant replaces alanine with serine at codon 143 of the GLA protein. Computational prediction tool is inconclusive regarding the impact of this variant on protein structure and function (internally defined REVEL score threshold 0.5 < inconclusive < 0.7, PMID: 27666373). Splice site prediction tools suggest that this variant may not impact RNA splicing. To our knowledge, functional studies have not been performed for this variant. This variant has not been reported in individuals affected with cardiovascular disorders in the literature. This variant has not been identified in the general population by the Genome Aggregation Database (gnomAD). The available evidence is insufficient to determine the role of this variant in disease conclusively. Therefore, this variant is classified as a Variant of Uncertain Significance.

NM_000169.3(GLA):c.427G>T (p.Ala143Ser)

Genes: GLA (galactosidase alpha; minus strand), RPL36A-HNRNPH2 (RPL36A-HNRNPH2 readthrough; plus strand). Cytogenetic location: Xq22.1.
Variant type: single nucleotide variant.
Coding change: c.427G>T on transcript NM_000169.3 (MANE Select); coding-DNA position 427, G replaced by T.
Protein change: p.Ala143Ser; replaces alanine 143 with serine.
Molecular consequence: missense variant. On other transcripts: non-coding transcript variant (3), intron variant (2).
Genome position (GRCh38, 1-based): chrX:101,401,752, C>A on the plus strand (G>T on the coding strand, the complement: GLA is on the minus strand). VCF-style: chrX-101401752-C-A. GRCh37 (hg19) VCF-style: chrX-100656740-C-A.
Other names: c.550G>T, p.Ala184Ser (NM_001406747.1, NM_001406749.1); c.427G>T, p.Ala143Ser (NM_001406748.1); c.300+6295C>A (NM_001199973.2); c.177+9930C>A (NM_001199974.2); short protein forms A143S, A184S.
Identifiers: ClinVar variation 920780 (VCV000920780.3), dbSNP rs104894845, ClinGen allele CA413930097.